The following is an entry in ClinVar:

NM_001670.3(ARVCF):c.1701G>A (p.Ser567=)

Gene: ARVCF (ARVCF delta catenin family member; minus strand). Cytogenetic location: 22q11.21.
Variant type: single nucleotide variant.
Coding change: c.1701G>A on transcript NM_001670.3 (MANE Select); coding-DNA position 1701, G replaced by A.
Protein change: p.Ser567=; no amino-acid change (serine 567 retained).
Molecular consequence: synonymous variant.
Genome position (GRCh38, 1-based): chr22:19,977,584, C>T on the plus strand (G>A on the coding strand, the complement: ARVCF is on the minus strand). VCF-style: chr22-19977584-C-T. GRCh37 (hg19) VCF-style: chr22-19965107-C-T.
Other names: c.1512G>A, p.Ser504= (NM_001410839.1).
Identifiers: ClinVar variation 3905241 (VCV003905241.10).

ClinVar aggregate classification (germline): Likely benign (1 of 4 stars; one submission).

Submission:

CeGaT Center for Human Genetics Tuebingen
Classification: Likely benign. Last evaluated: 2025-05-01. Review status: criteria provided, single submitter. Criteria: CeGaT Center For Human Genetics Tuebingen Variant Classification Criteria Version 2. Collection method: clinical testing. Allele origin: germline. Affected: yes. Observed: 1 variant allele.
Comment: ARVCF: BP4, BP7